The following is an entry in ClinVar:

NM_004415.4(DSP):c.2482A>G (p.Met828Val)

Gene: DSP (desmoplakin; plus strand). Cytogenetic location: 6p24.3.
Variant type: single nucleotide variant.
Coding change: c.2482A>G on transcript NM_004415.4 (MANE Select); coding-DNA position 2482, A replaced by G.
Protein change: p.Met828Val; replaces methionine 828 with valine.
Molecular consequence: missense variant.
Genome position (GRCh38, 1-based): chr6:7,575,340, A>G. VCF-style: chr6-7575340-A-G. GRCh37 (hg19) VCF-style: chr6-7575573-A-G.
Other names: c.2482A>G, p.Met828Val (NM_001008844.3, NM_001319034.2); c.2482A>G (LRG_423t1); short protein forms M828V.
Identifiers: ClinVar variation 465887 (VCV000465887.12), dbSNP rs1338201926, ClinGen allele CA362681432.
Genomic context (GRCh38, chr6:7,575,340, plus strand): 5'-TTTTTCATCTTGCAGAAAATAAAAAATGACTTGAACTTGAAGAAGTCGTTGTTGGCCACT[A>G]TGAAGACAGAACTACAGAAAGCCCAGCAGATCCACTCTCAGACTTCACAGCAGTATCCAC-3'
Protein context (NP_004406.2, residues 818-838): LNLKKSLLAT[Met828Val]KTELQKAQQI

ClinVar aggregate classification (germline): Conflicting classifications of pathogenicity. Review status: criteria provided, conflicting classifications (1 of 4 stars). 3 submissions from 3 submitters: Uncertain significance (2); Likely benign (1). Last evaluated 2025-05-19.

Conditions:
Arrhythmogenic cardiomyopathy with wooly hair and keratoderma. Also called: Dilated cardiomyopathy with woolly hair and keratoderma; Arrhythmogenic cardiomyopathy with woolly hair and keratoderma; PALMOPLANTAR KERATODERMA WITH LEFT VENTRICULAR CARDIOMYOPATHY AND WOOLLY HAIR; Carvajal syndrome. Identifiers: Orphanet 65282, MedGen C1854063, MONDO:0011581, OMIM 605676.
Arrhythmogenic right ventricular dysplasia 8 (ARVD8). Also called: Arrhythmogenic Right Ventricular Dysplasia/Cardiomyopathy 8; ARRHYTHMOGENIC RIGHT VENTRICULAR DYSPLASIA, FAMILIAL, 8; ARRHYTHMOGENIC RIGHT VENTRICULAR CARDIOMYOPATHY 8. Identifiers: MedGen C1843896, MONDO:0011831, OMIM 607450.
Cardiovascular phenotype. Identifiers: MedGen CN230736.

Allele frequency attached by ClinVar (database versions not stated): gnomAD exomes below 0.00001; gnomAD 0.00001; TOPMed 0.00001.
gnomAD v4.1: 8 of 1,613,922 alleles (0.0005%); highest among the groups gnomAD compares: Admixed American, 0.0033%; no homozygotes.

Submissions (3):

Labcorp Genetics (formerly Invitae), Labcorp
Classification: Likely benign for Arrhythmogenic cardiomyopathy with wooly hair and keratoderma; Arrhythmogenic right ventricular dysplasia 8. Last evaluated: 2025-05-19. Review status: criteria provided, single submitter. Criteria: Invitae Variant Classification Sherloc (09022015). Collection method: clinical testing. Allele origin: germline.

Ambry Genetics
Classification: Uncertain significance for Cardiovascular phenotype. Last evaluated: 2025-01-13. Review status: criteria provided, single submitter. Criteria: Ambry Variant Classification Scheme 2023. Collection method: clinical testing. Allele origin: germline.
Comment: The p.M828V variant (also known as c.2482A>G), located in coding exon 18 of the DSP gene, results from an A to G substitution at nucleotide position 2482. The methionine at codon 828 is replaced by valine, an amino acid with highly similar properties. This amino acid position is conserved. In addition, this alteration is predicted to be tolerated by in silico analysis. Based on the available evidence, the clinical significance of this variant remains unclear.

All of Us Research Program, National Institutes of Health
Classification: Uncertain significance for Arrhythmogenic cardiomyopathy with wooly hair and keratoderma. Last evaluated: 2024-05-14. Review status: criteria provided, single submitter. Criteria: ACMG Guidelines, 2015. Collection method: clinical testing. Allele origin: germline. Inheritance: Autosomal dominant inheritance. Observed: 3 variant alleles, 3 heterozygotes.
Comment: This missense variant replaces methionine with valine at codon 828 of the DSP protein. Computational prediction suggests that this variant may not impact protein structure and function (internally defined REVEL score threshold <= 0.5, PMID: 27666373). To our knowledge, functional studies have not been reported for this variant. This variant has not been reported in individuals affected with DSP-related disorders in the literature. This variant has been identified in 1/251460 chromosomes in the general population by the Genome Aggregation Database (gnomAD). The available evidence is insufficient to determine the role of this variant in disease conclusively. Therefore, this variant is classified as a Variant of Uncertain Significance.

This study involves interpretation of variants in research participants for the purpose of population health screening. Participant phenotype was not available at the time of variant classification. Additional details can be found in publication PMID: 35346344, PMCID: PMC8962531